The following is an entry in ClinVar:

NM_014874.4(MFN2):c.2146G>C (p.Ala716Pro)

Gene: MFN2 (mitofusin 2; plus strand). Cytogenetic location: 1p36.22.
Variant type: single nucleotide variant.
Coding change: c.2146G>C on transcript NM_014874.4 (MANE Select); coding-DNA position 2146, G replaced by C.
Protein change: p.Ala716Pro; replaces alanine 716 with proline.
Molecular consequence: missense variant.
Genome position (GRCh38, 1-based): chr1:12,009,668, G>C. VCF-style: chr1-12009668-G-C. GRCh37 (hg19) VCF-style: chr1-12069725-G-C.
Other names: p.A716P:GCC>CCC; c.2146G>C, p.Ala716Pro (NM_001127660.2); short protein forms A716P.
Identifiers: ClinVar variation 214650 (VCV000214650.9), dbSNP rs144860227, ClinGen allele CA323127.
Genomic context (GRCh38, chr1:12,009,668, plus strand): 5'-TTTGCTCATCTGTGTCAGCAAGTTGACGTCACCCGGGAGAACCTGGAGCAGGAAATTGCC[G>C]CCATGAACAAGAAAATTGAGGTTCTTGACTCACTTCAGAGCAAAGCAAAGCTGCTCAGGT-3'
Protein context (NP_055689.1, residues 706-726): TRENLEQEIA[Ala716Pro]MNKKIEVLDS

ClinVar aggregate classification (germline): Conflicting classifications of pathogenicity. Review status: criteria provided, conflicting classifications (1 of 4 stars). 2 submissions from 2 submitters: Likely pathogenic (1); Uncertain significance (1). Last evaluated 2024-10-07.

Conditions:
Charcot-Marie-Tooth disease type 2. Also called: Charcot-Marie-Tooth type 2. Identifiers: Orphanet 64746, MedGen C0270914, MONDO:0018993.

Submissions (2):

Labcorp Genetics (formerly Invitae), Labcorp
Classification: Likely pathogenic for Charcot-Marie-Tooth disease type 2. Last evaluated: 2024-10-07. Review status: criteria provided, single submitter. Criteria: Invitae Variant Classification Sherloc (09022015). Collection method: clinical testing. Allele origin: germline.
Comment: This sequence change replaces alanine, which is neutral and non-polar, with proline, which is neutral and non-polar, at codon 716 of the MFN2 protein (p.Ala716Pro). This variant is not present in population databases (gnomAD no frequency). This missense change has been observed in individuals with clinical features of Charcot-Marie-Tooth disease (internal data). It has also been observed to segregate with disease in related individuals. ClinVar contains an entry for this variant (Variation ID: 214650). Invitae Evidence Modeling of protein sequence and biophysical properties (such as structural, functional, and spatial information, amino acid conservation, physicochemical variation, residue mobility, and thermodynamic stability) has been performed for this missense variant. However, the output from this modeling did not meet the statistical confidence thresholds required to predict the impact of this variant on MFN2 protein function. In summary, the currently available evidence indicates that the variant is pathogenic, but additional data are needed to prove that conclusively. Therefore, this variant has been classified as Likely Pathogenic.

GeneDx
Classification: Uncertain significance. Last evaluated: 2014-12-15. Review status: criteria provided, single submitter. Criteria: GeneDx Variant Classification (06012015). Collection method: clinical testing. Allele origin: germline. Affected: yes.
Comment: p.Ala716Pro (GCC>CCC): c.2146 G>C in exon 18 of the MFN2 gene (NM_014874.3). The A716P variant has not been published as a mutation, nor has it been reported as a benign polymorphism to our knowledge. A different amino acid substitution at the same position (A716T) has been previously reported in a family with Intermediate Charcot-Marie-Tooth disease (Braathen et al., 2010); however, A716T has also been reported in 0.7-1.8% of alleles from individuals of African and British ancestry, respectively, in the 1000 Genomes Project, indicating it may be a rare benign variant. A716P was not observed in approximately 6,500 individuals of European and African American ancestry in the NHLBI Exome Sequencing Project, indicating it is not a common benign variant in these populations. The A716P variant is a semi-conservative amino acid substitution, which may impact secondary protein structure as these residues differ in some properties. Several nearby missense mutations (R707W, R707P, L710P, L724P) have also been reported, supporting the functional significance of this region of the protein, and in silico analysis predicts this variant is probably damaging to the protein structure/function. However, this substitution occurs at a position that is not highly conserved across species. Therefore, based on the currently available information, it is unclear whether this variant is a pathogenic mutation or a rare benign variant. The variant is found in NEUROPATHY panel(s).